The following is an entry in ClinVar:

NM_000334.4(SCN4A):c.1393GAG[2] (p.Glu467del)

Gene: SCN4A (sodium voltage-gated channel alpha subunit 4; minus strand). Cytogenetic location: 17q23.3.
Variant type: Microsatellite.
Coding change: c.1393GAG[2] on transcript NM_000334.4 (MANE Select); two copies in a row of the 3-base unit GAG starting at c.1393; the reference has three copies in a row; one copy, 3 bases deleted; also written c.1399_1401del.
Protein change: p.Glu467del; deletes glutamic acid 467.
Genome position (GRCh38, 1-based): chr17:63,964,519-63,964,521, CTC deleted on the plus strand (GAG on the coding strand, the reverse complement: SCN4A is on the minus strand); deleting any 3 consecutive bases within chr17:63,964,519-63,964,527 gives the same sequence; the position shown is the placement nearest the transcript's 3' end. VCF-style (leftmost placement, unchanged base first): chr17-63964518-ACTC-A. GRCh37 (hg19) VCF-style: chr17-62041878-ACTC-A.
Other names: c.1399_1401del (NM_000334.4); short protein forms E467del.
Identifiers: ClinVar variation 3582693 (VCV003582693.4).

ClinVar aggregate classification (germline): Uncertain significance. Review status: criteria provided, multiple submitters, no conflicts (2 of 4 stars). 3 submissions from 3 submitters: Uncertain significance (3). Last evaluated 2026-02-10.

Conditions:
Congenital myopathy 22A, classic (CMYO22A). Identifiers: MedGen C5830453, MONDO:0957247, OMIM 620351.
Hypokalemic periodic paralysis, type 2 (HOKPP2). Identifiers: Orphanet 681, MedGen C2750061, MONDO:0013234, OMIM 613345.
Hyperkalemic periodic paralysis. Also called: Gamstorp disease; Familial hyperkalemic periodic paralysis. Identifiers: Orphanet 682, MedGen C0238357, MONDO:0008224, OMIM 170500, HP:0007215.
Congenital myopathy 22B, severe fetal (CMYO22B). Identifiers: MedGen C5830501, MONDO:0957265, OMIM 620369.
Congenital myasthenic syndrome 16. Identifiers: Orphanet 590, MedGen C3280112, MONDO:0013620, OMIM 614198.
Potassium-aggravated myotonia. Also called: MYOTONIA CONGENITA, ACETAZOLAMIDE-RESPONSIVE; MYOTONIA CONGENITA, ATYPICAL; SODIUM CHANNEL MUSCLE DISEASE; Myotonia congenita, atypical, acetazolamide-responsive. Identifiers: Orphanet 612, Orphanet 99734, Orphanet 99735, Orphanet 99736, MedGen C2931826, MONDO:0018959, OMIM 608390.
Paramyotonia congenita of Von Eulenburg. Also called: PARALYSIS PERIODICA PARAMYOTONICA; Eulenburg disease; Myotonia congenita intermittens; Von Eulenburg paramyotonia congenita; Paramyotonia Congenita. Identifiers: Orphanet 684, MedGen C0221055, MONDO:0008195, OMIM 168300. Disease mechanism: loss of function.

Submissions (3):

GeneDx
Classification: Uncertain significance. Last evaluated: 2026-02-10. Review status: criteria provided, single submitter. Criteria: GeneDx Variant Classification Process June 2021. Collection method: clinical testing. Allele origin: germline.
Comment: In-frame deletion of 1 amino acid(s) in a non-repeat region; In silico analysis supports a deleterious effect on protein structure/function; Has not been previously published as pathogenic or benign to our knowledge

Labcorp Genetics (formerly Invitae), Labcorp
Classification: Uncertain significance for Hyperkalemic periodic paralysis. Last evaluated: 2025-06-15. Review status: criteria provided, single submitter. Criteria: Invitae Variant Classification Sherloc (09022015). Collection method: clinical testing. Allele origin: germline.
Comment: This variant, c.1399_1401del, results in the deletion of 1 amino acid(s) of the SCN4A protein (p.Glu467del), but otherwise preserves the integrity of the reading frame. The frequency data for this variant in the population databases is considered unreliable, as metrics indicate poor data quality at this position in the gnomAD database. This variant has not been reported in the literature in individuals affected with SCN4A-related conditions. ClinVar contains an entry for this variant (Variation ID: 3582693). Experimental studies and prediction algorithms are not available or were not evaluated, and the functional significance of this variant is currently unknown. In summary, the available evidence is currently insufficient to determine the role of this variant in disease. Therefore, it has been classified as a Variant of Uncertain Significance.

Fulgent Genetics
Classification: Uncertain significance for Paramyotonia congenita of Von Eulenburg; Hyperkalemic periodic paralysis; Potassium-aggravated myotonia; Hypokalemic periodic paralysis, type 2; Congenital myasthenic syndrome 16; Congenital myopathy 22A, classic; Congenital myopathy 22B, severe fetal. Last evaluated: 2024-04-20. Review status: criteria provided, single submitter. Criteria: ACMG Guidelines, 2015. Collection method: clinical testing. Allele origin: germline.